The following is an entry in ClinVar:

ClinVar aggregate classification (germline): Likely benign. Review status: criteria provided, multiple submitters, no conflicts (2 of 4 stars). 4 submissions from 4 submitters: Likely benign (3). 1 of the submissions does not count toward it. Last evaluated 2025-04-09.

Conditions:
Desmin-related myofibrillar myopathy (MFM1). Also called: Desminopathy; Desmin related myopathy (former name); Desmin storage myopathy (former name); MYOFIBRILLAR MYOPATHY WITH ARRHYTHMOGENIC RIGHT VENTRICULAR CARDIOMYOPATHY; DESMIN-RELATED MYOPATHY WITH ARRHYTHMOGENIC RIGHT VENTRICULAR CARDIOMYOPATHY; Myofibrillar myopathy 1. Identifiers: Orphanet 363543, Orphanet 98909, MedGen C1832370, MONDO:0011076, OMIM 601419.
DES-related disorder. Also called: DES-related condition.

Allele frequency attached by ClinVar (database versions not stated): gnomAD exomes 0.00001; TOPMed 0.00003; 1000 Genomes Project 30x 0.00016.
gnomAD v4.1: 11 of 1,537,710 alleles (0.00072%); highest among the groups gnomAD compares: East Asian, 0.0024%; no homozygotes.

Submissions (4):

Molecular Diagnostic Laboratory for Inherited Cardiovascular Disease, Montreal Heart Institute
Classification: Likely benign. Last evaluated: 2025-04-09. Review status: criteria provided, single submitter. Criteria: ACMG Guidelines, 2015. Collection method: clinical testing. Allele origin: germline. Affected: no.

Labcorp Genetics (formerly Invitae), Labcorp
Classification: Likely benign for Desmin-related myofibrillar myopathy. Last evaluated: 2024-09-06. Review status: criteria provided, single submitter. Criteria: Invitae Variant Classification Sherloc (09022015). Collection method: clinical testing. Allele origin: germline.

Blueprint Genetics
Classification: Likely benign. Last evaluated: 2024-02-07. Review status: criteria provided, single submitter. Criteria: ACMG Guidelines, 2015. Collection method: clinical testing. Allele origin: germline.

PreventionGenetics, part of Exact Sciences
Classification: Likely benign for DES-related condition. Last evaluated: 2020-11-14. Review status: no assertion criteria provided. Collection method: clinical testing. Allele origin: germline. Not counted in ClinVar's aggregate classification.
Comment: This variant is classified as likely benign based on ACMG/AMP sequence variant interpretation guidelines (Richards et al. 2015 PMID: 25741868, with internal and published modifications).

NM_001927.4(DES):c.578+10C>T

Gene: DES (desmin; plus strand). Cytogenetic location: 2q35.
Variant type: single nucleotide variant.
Coding change: c.578+10C>T on transcript NM_001927.4 (MANE Select); 10 bases into the intron after coding-DNA position 578, C replaced by T.
Molecular consequence: intron variant.
Genome position (GRCh38, 1-based): chr2:219,419,050, C>T. VCF-style: chr2-219419050-C-T. GRCh37 (hg19) VCF-style: chr2-220283772-C-T.
Other names: c.578+10C>T (LRG_380t1).
Identifiers: ClinVar variation 541307 (VCV000541307.13), dbSNP rs969392028, ClinGen allele CA65981385.